The following is an entry in ClinVar:

ClinVar aggregate classification (germline): Uncertain significance (1 of 4 stars; one submission).

Submission:

Ambry Genetics
Classification: Uncertain significance. Last evaluated: 2022-06-04. Review status: criteria provided, single submitter. Criteria: Ambry Variant Classification Scheme 2023. Collection method: clinical testing. Allele origin: germline.
Comment: The p.D2594E variant (also known as c.7782T>A), located in coding exon 58 of the PRKDC gene, results from a T to A substitution at nucleotide position 7782. The aspartic acid at codon 2594 is replaced by glutamic acid, an amino acid with highly similar properties. This amino acid position is conserved. In addition, this alteration is predicted to be deleterious by in silico analysis. Since supporting evidence is limited at this time, the clinical significance of this alteration remains unclear.

NM_006904.7(PRKDC):c.7782T>A (p.Asp2594Glu)

Gene: PRKDC (protein kinase, DNA-activated, catalytic subunit; minus strand). Cytogenetic location: 8q11.21.
Variant type: single nucleotide variant.
Coding change: c.7782T>A on transcript NM_006904.7 (MANE Select); coding-DNA position 7782, T replaced by A.
Protein change: p.Asp2594Glu; replaces aspartic acid 2594 with glutamic acid.
Molecular consequence: missense variant.
Genome position (GRCh38, 1-based): chr8:47,836,507, A>T on the plus strand (T>A on the coding strand, the complement: PRKDC is on the minus strand). VCF-style: chr8-47836507-A-T. GRCh37 (hg19) VCF-style: chr8-48749068-A-T.
Other names: c.7782T>A, p.Asp2594Glu (NM_001081640.2); short protein forms D2594E.
Identifiers: ClinVar variation 1760609 (VCV001760609.2), dbSNP rs373960418, ClinGen allele CA371151415.